The following is an entry in ClinVar:

ClinVar aggregate classification (germline): Likely pathogenic (1 of 4 stars; one submission).

Conditions:
Hereditary cancer-predisposing syndrome. Also called: Neoplastic Syndromes, Hereditary; Tumor predisposition; Hereditary Cancer Syndrome; Hereditary neoplastic syndrome. Identifiers: Orphanet 140162, MedGen C0027672, MeSH D009386, MONDO:0015356.

Submission:

Ambry Genetics
Classification: Likely pathogenic for Hereditary cancer-predisposing syndrome. Last evaluated: 2025-08-12. Review status: criteria provided, single submitter. Criteria: Ambry Variant Classification Scheme 2023. Collection method: clinical testing. Allele origin: germline.
Comment: The c.1235+97C>G intronic variant results from a C to G substitution 97 nucleotides after coding exon 8 in the ATM gene. This nucleotide position is not well conserved in available vertebrate species. In silico splice site analysis predicts that this alteration will result in the creation or strengthening of a novel splice donor site and will result in the creation or strengthening of a novel splice acceptor site. RNA studies have demonstrated that this alteration results in abnormal splicing in the set of samples tested (Ambry internal data). Based on the majority of available evidence to date, this variant is likely to be pathogenic.

NM_000051.4(ATM):c.1235+97C>G

Gene: ATM (ATM serine/threonine kinase; plus strand). Cytogenetic location: 11q22.3.
Variant type: single nucleotide variant.
Coding change: c.1235+97C>G on transcript NM_000051.4 (MANE Select); 97 bases into the intron after coding-DNA position 1235, C replaced by G.
Molecular consequence: intron variant.
Genome position (GRCh38, 1-based): chr11:108,249,199, C>G. VCF-style: chr11-108249199-C-G. GRCh37 (hg19) VCF-style: chr11-108119926-C-G.
Other names: c.1235+97C>G (NM_001351834.2).
Identifiers: ClinVar variation 4169743 (VCV004169743.1).